The following is an entry in ClinVar:

NM_001142966.3(GREB1L):c.3170G>A (p.Arg1057Gln)

Gene: GREB1L (GREB1 like retinoic acid receptor coactivator; plus strand). Cytogenetic location: 18q11.1.
Variant type: single nucleotide variant.
Coding change: c.3170G>A on transcript NM_001142966.3 (MANE Select); coding-DNA position 3170, G replaced by A.
Protein change: p.Arg1057Gln; replaces arginine 1057 with glutamine.
Molecular consequence: missense variant.
Genome position (GRCh38, 1-based): chr18:21,496,477, G>A. VCF-style: chr18-21496477-G-A. GRCh37 (hg19) VCF-style: chr18-19076438-G-A.
Other names: c.3299G>A, p.Arg1100Gln (NM_001410867.1); c.2843G>A, p.Arg948Gln (NM_001410868.1); short protein forms R948Q, R1100Q, R1057Q.
Identifiers: ClinVar variation 4994717 (VCV004994717.1).

ClinVar aggregate classification (germline): Uncertain significance (1 of 4 stars; one submission).

Conditions:
GREB1L-related disorder. Also called: GREB1L-related condition.

gnomAD v4.1: 3 of 1,551,656 alleles (0.00019%); highest among the groups gnomAD compares: Non-Finnish European, 0.00026%; no homozygotes.

Submission:

PreventionGenetics, part of Exact Sciences
Classification: Uncertain significance for GREB1L-related condition. Last evaluated: 2026-03-10. Review status: criteria provided, single submitter. Criteria: ACMG Guidelines, 2015. Collection method: clinical testing. Allele origin: germline.
Comment: The GREB1L c.3170G>A variant is predicted to result in the amino acid substitution p.Arg1057Gln. To our knowledge, this variant has not been reported in the literature or in a large population database (gnomAD), indicating this variant is rare. An alternate variant at the same codon, p.Arg1057Pro, has been reported in heterozygous state in a fetus with bilateral renal agenesis and anhydramnios (Table 2, Jordan et al. 2022. PubMed ID: 35005812). At this time, the clinical significance of this variant is uncertain due to the absence of conclusive functional and genetic evidence.